The following is an entry in ClinVar:

ClinVar aggregate classification (germline): Likely benign (0 of 4 stars; one submission).

Conditions:
PHIP-related disorder. Also called: PHIP-related condition; PHIP-related disorders.

Submission:

PreventionGenetics, part of Exact Sciences
Classification: Likely benign for PHIP-related condition. Last evaluated: 2021-08-09. Review status: no assertion criteria provided. Collection method: clinical testing. Allele origin: germline.
Comment: This variant is classified as likely benign based on ACMG/AMP sequence variant interpretation guidelines (Richards et al. 2015 PMID: 25741868, with internal and published modifications).

NM_017934.7(PHIP):c.3474C>A (p.Thr1158=)

Genes: IRAK1BP1 (interleukin 1 receptor associated kinase 1 binding protein 1; plus strand), PHIP (PHIP subunit of CUL4-Ring ligase complex; minus strand). Cytogenetic location: 6q14.1.
Variant type: single nucleotide variant.
Coding change: c.3474C>A on transcript NM_017934.7 (MANE Select); coding-DNA position 3474, C replaced by A.
Protein change: p.Thr1158=; no amino-acid change (threonine 1158 retained).
Molecular consequence: synonymous variant.
Genome position (GRCh38, 1-based): chr6:78,963,158, G>T on the plus strand (C>A on the coding strand, the complement: PHIP is on the minus strand). VCF-style: chr6-78963158-G-T. GRCh37 (hg19) VCF-style: chr6-79672875-G-T.
Identifiers: ClinVar variation 3357235 (VCV003357235.1).